The following is an entry in ClinVar:

NM_001077350.3(NPRL3):c.1212C>A (p.Ile404=)

Genes: HBA-LCR (alpha-globin locus control region; plus strand), NPRL3 (NPR3 like, GATOR1 complex subunit; minus strand). Cytogenetic location: 16p13.3.
Variant type: single nucleotide variant.
Coding change: c.1212C>A on transcript NM_001077350.3 (MANE Select); coding-DNA position 1212, C replaced by A.
Protein change: p.Ile404=; no amino-acid change (isoleucine 404 retained).
Molecular consequence: synonymous variant.
Genome position (GRCh38, 1-based): chr16:89,852, G>T on the plus strand (C>A on the coding strand, the complement: NPRL3 is on the minus strand). VCF-style: chr16-89852-G-T. GRCh37 (hg19) VCF-style: chr16-139850-G-T.
Other names: c.675C>A, p.Ile225= (NM_001039476.3); c.978C>A, p.Ile326= (NM_001243247.2); c.1137C>A, p.Ile379= (NM_001243248.2, NM_001243249.2).
Identifiers: ClinVar variation 1036896 (VCV001036896.9), dbSNP rs772565196, ClinGen allele CA7769411.

ClinVar aggregate classification (germline): Likely benign. Review status: criteria provided, multiple submitters, no conflicts (2 of 4 stars). 2 submissions from 2 submitters: Likely benign (2). Last evaluated 2025-10-28.

Conditions:
Epilepsy, familial focal, with variable foci 3 (FFEVF3). Identifiers: MedGen C4310708, MONDO:0014925, OMIM 617118.

Allele frequency attached by ClinVar (database versions not stated): gnomAD 0.00003 and 0.00004; gnomAD exomes 0.00003; ExAC 0.00006; TOPMed 0.00010.
gnomAD v4.1: 20 of 1,572,754 alleles (0.0013%); highest among the groups gnomAD compares: African/African-American, 0.024%; no homozygotes.

Submissions (2):

Labcorp Genetics (formerly Invitae), Labcorp
Classification: Likely benign for Epilepsy, familial focal, with variable foci 3. Last evaluated: 2025-10-28. Review status: criteria provided, single submitter. Criteria: Invitae Variant Classification Sherloc (09022015). Collection method: clinical testing. Allele origin: germline.

Women's Health and Genetics/Laboratory Corporation of America, LabCorp
Classification: Likely benign. Last evaluated: 2024-02-09. Review status: criteria provided, single submitter. Criteria: LabCorp Variant Classification Summary - May 2015. Collection method: clinical testing. Allele origin: germline.
Comment: Variant summary: C16orf35 c.1212C>A alters a non-conserved nucleotide resulting in a synonymous change. Consensus agreement among computation tools predict no significant impact on normal splicing. However, these predictions have yet to be confirmed by functional studies. The variant was absent in 1572754 control chromosomes. The available data on variant occurrences in the general population are insufficient to allow any conclusion about variant significance. To our knowledge, no occurrence of c.1212C>A in individuals affected with Epilepsy, Familial Focal, With Variable Foci 3 and no experimental evidence demonstrating its impact on protein function have been reported. ClinVar contains an entry for this variant (Variation ID: 1036896). Based on the evidence outlined above, the variant was classified as likely benign.